The following is an entry in ClinVar:

ClinVar aggregate classification (germline): Uncertain significance (1 of 4 stars; one submission).

Allele frequency attached by ClinVar (database versions not stated): gnomAD exomes below 0.00001; ExAC 0.00002.
gnomAD v4.1: 3 of 1,614,008 alleles (0.00019%); highest among the groups gnomAD compares: Non-Finnish European, 0.00017%; no homozygotes.

Submission:

Labcorp Genetics (formerly Invitae), Labcorp
Classification: Uncertain significance. Last evaluated: 2022-07-08. Review status: criteria provided, single submitter. Criteria: Invitae Variant Classification Sherloc (09022015). Collection method: clinical testing. Allele origin: germline.
Comment: Algorithms developed to predict the effect of missense changes on protein structure and function (SIFT, PolyPhen-2, Align-GVGD) all suggest that this variant is likely to be disruptive. In summary, the available evidence is currently insufficient to determine the role of this variant in disease. Therefore, it has been classified as a Variant of Uncertain Significance. This variant has not been reported in the literature in individuals affected with NBAS-related conditions. This variant is present in population databases (rs780386393, gnomAD 0.002%). This sequence change replaces arginine, which is basic and polar, with cysteine, which is neutral and slightly polar, at codon 1131 of the NBAS protein (p.Arg1131Cys).

NM_015909.4(NBAS):c.3391C>T (p.Arg1131Cys)

Gene: NBAS (NBAS subunit of NRZ tethering complex; minus strand). Cytogenetic location: 2p24.3.
Variant type: single nucleotide variant.
Coding change: c.3391C>T on transcript NM_015909.4 (MANE Select); coding-DNA position 3391, C replaced by T.
Protein change: p.Arg1131Cys; replaces arginine 1131 with cysteine.
Molecular consequence: missense variant. On other transcripts: non-coding transcript variant (1).
Genome position (GRCh38, 1-based): chr2:15,379,801, G>A on the plus strand (C>T on the coding strand, the complement: NBAS is on the minus strand). VCF-style: chr2-15379801-G-A. GRCh37 (hg19) VCF-style: chr2-15519925-G-A.
Other names: short protein forms R1131C.
Identifiers: ClinVar variation 1969628 (VCV001969628.5), dbSNP rs780386393, ClinGen allele CA1536026.